The following is an entry in ClinVar:

NM_000161.3(GCH1):c.400G>A (p.Asp134Asn)

Gene: GCH1 (GTP cyclohydrolase 1; minus strand). Cytogenetic location: 14q22.2.
Variant type: single nucleotide variant.
Coding change: c.400G>A on transcript NM_000161.3 (MANE Select); coding-DNA position 400, G replaced by A.
Protein change: p.Asp134Asn; replaces aspartic acid 134 with asparagine.
Molecular consequence: missense variant.
Genome position (GRCh38, 1-based): chr14:54,865,380, C>T on the plus strand (G>A on the coding strand, the complement: GCH1 is on the minus strand). VCF-style: chr14-54865380-C-T. GRCh37 (hg19) VCF-style: chr14-55332098-C-T.
Other names: c.400G>A, p.Asp134Asn (NM_001024024.2, NM_001024070.2, NM_001024071.2); short protein forms D134N.
Identifiers: ClinVar variation 459899 (VCV000459899.50), dbSNP rs1353623780, ClinGen allele CA389790109.

ClinVar aggregate classification (germline): Conflicting classifications of pathogenicity. Review status: criteria provided, conflicting classifications (1 of 4 stars). 3 submissions from 3 submitters: Likely pathogenic (2); Uncertain significance (1). Last evaluated 2023-08-24.

Conditions:
GTP cyclohydrolase I deficiency. Identifiers: MedGen C0268467, MONDO:0100184.
Dystonia 5 (DRD). Also called: DYT-GCH1; GTP Cyclohydrolase 1-Deficient Dopa-Responsive Dystonia; Dystonia, DOPA-responsive, with or without hyperphenylalaninemia; DYSTONIA, PROGRESSIVE, WITH DIURNAL VARIATION; DYSTONIA-PARKINSONISM WITH DIURNAL FLUCTUATION. Identifiers: Orphanet 98808, MedGen C1851920, MONDO:0007495, OMIM 128230.

Allele frequency attached by ClinVar (database versions not stated): gnomAD exomes below 0.00001.
gnomAD v4.1: 1 of 1,595,320 alleles (0.000063%); highest among the groups gnomAD compares: South Asian, 0.0011%; no homozygotes.

Submissions (3):

Labcorp Genetics (formerly Invitae), Labcorp
Classification: Likely pathogenic for GTP cyclohydrolase I deficiency; Dystonia 5. Last evaluated: 2023-08-24. Review status: criteria provided, single submitter. Criteria: Invitae Variant Classification Sherloc (09022015). Collection method: clinical testing. Allele origin: germline.
Comment: This variant disrupts the p.Asp134 amino acid residue in GCH1. Other variant(s) that disrupt this residue have been observed in individuals with GCH1-related conditions (PMID: 7874165), which suggests that this may be a clinically significant amino acid residue. In summary, the currently available evidence indicates that the variant is pathogenic, but additional data are needed to prove that conclusively. Therefore, this variant has been classified as Likely Pathogenic. Advanced modeling of protein sequence and biophysical properties (such as structural, functional, and spatial information, amino acid conservation, physicochemical variation, residue mobility, and thermodynamic stability) performed at Invitae indicates that this missense variant is not expected to disrupt GCH1 protein function. This sequence change replaces aspartic acid, which is acidic and polar, with asparagine, which is neutral and polar, at codon 134 of the GCH1 protein (p.Asp134Asn). This variant is present in population databases (no rsID available, gnomAD 0.003%). This missense change has been observed in individuals with autosomal dominant or autosomal recessive dopa-responsive dystonia (PMID: 17898029; Invitae). ClinVar contains an entry for this variant (Variation ID: 459899).

GeneDx
Classification: Uncertain significance. Last evaluated: 2023-03-03. Review status: criteria provided, single submitter. Criteria: GeneDx Variant Classification Process June 2021. Collection method: clinical testing. Allele origin: germline. Affected: yes.
Comment: Not observed at significant frequency in large population cohorts (gnomAD); In silico analysis supports that this missense variant has a deleterious effect on protein structure/function; This variant is associated with the following publications: (PMID: 33903016, 17898029)

CeGaT Center for Human Genetics Tuebingen
Classification: Likely pathogenic. Last evaluated: 2019-03-01. Review status: criteria provided, single submitter. Criteria: CeGaT Center For Human Genetics Tuebingen Variant Classification Criteria Version 2. Collection method: clinical testing. Allele origin: germline. Affected: yes. Observed: 4 variant alleles.

Literature cited by the submitters: PubMed 7874165 (cited by Labcorp Genetics (formerly Invitae), Labcorp); PubMed 17898029 (cited by Labcorp Genetics (formerly Invitae), Labcorp).